The following is an entry in ClinVar:

ClinVar aggregate classification (germline): Uncertain significance (1 of 4 stars; one submission).

Conditions:
Dilated cardiomyopathy 1G (CMD1G). Identifiers: Orphanet 154, MedGen C1858763, MONDO:0011400, OMIM 604145.
Autosomal recessive limb-girdle muscular dystrophy type 2J (LGMDR10). Also called: Limb-girdle muscular dystrophy, type 2J; MUSCULAR DYSTROPHY, LIMB-GIRDLE, AUTOSOMAL RECESSIVE 10. Identifiers: Orphanet 140922, MedGen C1837342, MONDO:0012127, OMIM 608807.

Allele frequency attached by ClinVar (database versions not stated): gnomAD 0.00001.
gnomAD v4.1: 2 of 1,613,790 alleles (0.00012%); highest among the groups gnomAD compares: Admixed American, 0.0017%; no homozygotes.

Submission:

Labcorp Genetics (formerly Invitae), Labcorp
Classification: Uncertain significance for Dilated cardiomyopathy 1G; Autosomal recessive limb-girdle muscular dystrophy type 2J. Last evaluated: 2024-01-26. Review status: criteria provided, single submitter. Criteria: Invitae Variant Classification Sherloc (09022015). Collection method: clinical testing. Allele origin: germline.
Comment: This sequence change replaces valine, which is neutral and non-polar, with methionine, which is neutral and non-polar, at codon 33686 of the TTN protein (p.Val33686Met). This variant is not present in population databases (gnomAD no frequency). This variant has not been reported in the literature in individuals affected with TTN-related conditions. Experimental studies and prediction algorithms are not available or were not evaluated, and the functional significance of this variant is currently unknown. This variant is located in the M band of TTN (PMID: 25589632). Non-truncating variants in this region may be relevant for neuromuscular disorders, but have not been definitively shown to cause cardiomyopathy (PMID: 23975875). In summary, the available evidence is currently insufficient to determine the role of this variant in disease. Therefore, it has been classified as a Variant of Uncertain Significance.

Literature cited by the submitters: PubMed 25589632; PubMed 23975875.

NM_001267550.2(TTN):c.101056G>A (p.Val33686Met)

Genes: TTN-AS1 (TTN antisense RNA 1; plus strand), TTN (titin; minus strand). Cytogenetic location: 2q31.2.
Variant type: single nucleotide variant.
Coding change: c.101056G>A on transcript NM_001267550.2 (MANE Select); coding-DNA position 101056, G replaced by A.
Protein change: p.Val33686Met; replaces valine 33686 with methionine.
Molecular consequence: missense variant.
Genome position (GRCh38, 1-based): chr2:178,535,559, C>T on the plus strand (G>A on the coding strand, the complement: TTN is on the minus strand). VCF-style: chr2-178535559-C-T. GRCh37 (hg19) VCF-style: chr2-179400286-C-T.
Other names: c.96133G>A, p.Val32045Met (NM_001256850.1); c.73861G>A, p.Val24621Met (NM_003319.4); c.93352G>A, p.Val31118Met (NM_133378.4); c.74236G>A, p.Val24746Met (NM_133432.3); c.74437G>A, p.Val24813Met (NM_133437.4); short protein forms V24621M, V32045M, V24813M, V31118M, V33686M, V24746M.
Identifiers: ClinVar variation 2945009 (VCV002945009.3), dbSNP rs1194467385, ClinGen allele CA349421883.
Genomic context (GRCh38, chr2:178,535,559, plus strand): 5'-CAGAATCTCGTGAGACATCACTAACTTTGACTCCTCTGGGTGGGTCAGGAACATCAGCCA[C>T]ATCCAGTTCAACTGTCTTCTGATCAATTCCAAATCTGTTTTTAGCACAGACCACATAGAA-3'
Protein context (NP_001254479.2, residues 33676-33696): GIDQKTVELD[Val33686Met]ADVPDPPRGV